The following is an entry in ClinVar:

ClinVar aggregate classification (germline): Uncertain significance (1 of 4 stars; one submission).

Allele frequency attached by ClinVar (database versions not stated): TOPMed below 0.00001; ExAC 0.00001.
gnomAD v4.1: 2 of 1,613,924 alleles (0.00012%); highest among the groups gnomAD compares: Non-Finnish European, 0.00017%; no homozygotes.

Submission:

Labcorp Genetics (formerly Invitae), Labcorp
Classification: Uncertain significance. Last evaluated: 2024-10-17. Review status: criteria provided, single submitter. Criteria: Invitae Variant Classification Sherloc (09022015). Collection method: clinical testing. Allele origin: germline.
Comment: This sequence change replaces proline, which is neutral and non-polar, with serine, which is neutral and polar, at codon 484 of the COL4A1 protein (p.Pro484Ser). This variant is present in population databases (rs762408881, gnomAD 0.006%). This variant has not been reported in the literature in individuals affected with COL4A1-related conditions. Invitae Evidence Modeling of protein sequence and biophysical properties (such as structural, functional, and spatial information, amino acid conservation, physicochemical variation, residue mobility, and thermodynamic stability) indicates that this missense variant is not expected to disrupt COL4A1 protein function with a negative predictive value of 95%. In summary, the available evidence is currently insufficient to determine the role of this variant in disease. Therefore, it has been classified as a Variant of Uncertain Significance.

NM_001845.6(COL4A1):c.1450C>T (p.Pro484Ser)

Gene: COL4A1 (collagen type IV alpha 1 chain; minus strand). Cytogenetic location: 13q34.
Variant type: single nucleotide variant.
Coding change: c.1450C>T on transcript NM_001845.6 (MANE Select); coding-DNA position 1450, C replaced by T.
Protein change: p.Pro484Ser; replaces proline 484 with serine.
Molecular consequence: missense variant.
Genome position (GRCh38, 1-based): chr13:110,192,845, G>A on the plus strand (C>T on the coding strand, the complement: COL4A1 is on the minus strand). VCF-style: chr13-110192845-G-A. GRCh37 (hg19) VCF-style: chr13-110845192-G-A.
Other names: c.1450C>T, p.Pro484Ser (NM_001303110.2); short protein forms P484S.
Identifiers: ClinVar variation 3003168 (VCV003003168.3), dbSNP rs762408881, ClinGen allele CA7047936.